The following is an entry in ClinVar:

NM_018671.5(UNC45A):c.1051G>C (p.Gly351Arg)

Gene: UNC45A (unc-45 myosin chaperone A; plus strand). Cytogenetic location: 15q26.1.
Variant type: single nucleotide variant.
Coding change: c.1051G>C on transcript NM_018671.5 (MANE Select); coding-DNA position 1051, G replaced by C.
Protein change: p.Gly351Arg; replaces glycine 351 with arginine.
Molecular consequence: missense variant.
Genome position (GRCh38, 1-based): chr15:90,944,915, G>C. VCF-style: chr15-90944915-G-C. GRCh37 (hg19) VCF-style: chr15-91488145-G-C.
Other names: c.1006G>C, p.Gly336Arg (NM_001039675.2, NM_001323621.2); c.1051G>C, p.Gly351Arg (NM_001323619.1); c.616G>C, p.Gly206Arg (NM_001323620.2); short protein forms G206R, G336R, G351R.
Identifiers: ClinVar variation 1495379 (VCV001495379.8), dbSNP rs746323012, ClinGen allele CA393854669.

ClinVar aggregate classification (germline): Uncertain significance (1 of 4 stars; one submission).

Submission:

Labcorp Genetics (formerly Invitae), Labcorp
Classification: Uncertain significance. Last evaluated: 2025-02-17. Review status: criteria provided, single submitter. Criteria: Invitae Variant Classification Sherloc (09022015). Collection method: clinical testing. Allele origin: germline.
Comment: This sequence change replaces glycine, which is neutral and non-polar, with arginine, which is basic and polar, at codon 351 of the UNC45A protein (p.Gly351Arg). This variant is not present in population databases (gnomAD no frequency). This variant has not been reported in the literature in individuals affected with UNC45A-related conditions. ClinVar contains an entry for this variant (Variation ID: 1495379). Invitae Evidence Modeling of protein sequence and biophysical properties (such as structural, functional, and spatial information, amino acid conservation, physicochemical variation, residue mobility, and thermodynamic stability) indicates that this missense variant is not expected to disrupt UNC45A protein function with a negative predictive value of 80%. In summary, the available evidence is currently insufficient to determine the role of this variant in disease. Therefore, it has been classified as a Variant of Uncertain Significance.